The following is an entry in ClinVar:

ClinVar aggregate classification (germline): Uncertain significance (1 of 4 stars; one submission).

gnomAD v4.1: 6 of 1,612,614 alleles (0.00037%); highest among the groups gnomAD compares: Non-Finnish European, 0.00051%; no homozygotes.

Submission:

Ambry Genetics
Classification: Uncertain significance. Last evaluated: 2024-11-28. Review status: criteria provided, single submitter. Criteria: Ambry Variant Classification Scheme 2023. Collection method: clinical testing. Allele origin: germline.
Comment: The p.T1308A variant (also known as c.3922A>G), located in coding exon 18 of the WNK2 gene, results from an A to G substitution at nucleotide position 3922. The threonine at codon 1308 is replaced by alanine, an amino acid with similar properties. This amino acid position is conserved. In addition, the in silico prediction for this alteration is inconclusive. Based on the available evidence, the clinical significance of this variant remains unclear.

NM_006648.4(WNK2):c.3922A>G (p.Thr1308Ala)

Gene: WNK2 (WNK lysine deficient protein kinase 2; plus strand). Cytogenetic location: 9q22.31.
Variant type: single nucleotide variant.
Coding change: c.3922A>G on transcript NM_006648.4 (MANE Select); coding-DNA position 3922, A replaced by G.
Protein change: p.Thr1308Ala; replaces threonine 1308 with alanine.
Molecular consequence: missense variant.
Genome position (GRCh38, 1-based): chr9:93,268,635, A>G. VCF-style: chr9-93268635-A-G. GRCh37 (hg19) VCF-style: chr9-96030917-A-G.
Other names: c.3922A>G, p.Thr1308Ala (NM_001282394.3); short protein forms T1308A.
Identifiers: ClinVar variation 3470501 (VCV003470501.1).